The following is an entry in ClinVar:

ClinVar aggregate classification (germline): Uncertain significance. Review status: criteria provided, multiple submitters, no conflicts (2 of 4 stars). 2 submissions from 2 submitters: Uncertain significance (2). Last evaluated 2026-06-17.

Conditions:
Hereditary cancer-predisposing syndrome. Also called: Tumor predisposition; Hereditary Cancer Syndrome; Hereditary neoplastic syndrome; Neoplastic Syndromes, Hereditary. Identifiers: Orphanet 140162, MedGen C0027672, MeSH D009386, MONDO:0015356.
Multiple endocrine neoplasia, type 2 (MEN2). Identifiers: Orphanet 653, MedGen C4048306, MONDO:0019003. Disease mechanism: gain of function.

Submissions (2):

Ambry Genetics
Classification: Uncertain significance for Hereditary cancer-predisposing syndrome. Last evaluated: 2026-06-17. Review status: criteria provided, single submitter. Criteria: Ambry Variant Classification Scheme 2023. Collection method: clinical testing. Allele origin: germline.
Comment: The c.1927_1929delCTC variant (also known as p.L643del) is located in coding exon 11 of the RET gene. This variant results from an in-frame CTC deletion at nucleotide positions 1927 to 1929. This results in the in-frame deletion of a leucine at codon 643. This amino acid position is well conserved in available vertebrate species. In addition, the in silico prediction for this variant is inconclusive (Choi Y et al. PLoS ONE. 2012; 7(10):e46688). Based on the available evidence, the clinical significance of this variant remains unclear.

Labcorp Genetics (formerly Invitae), Labcorp
Classification: Uncertain significance for Multiple endocrine neoplasia, type 2. Last evaluated: 2023-12-14. Review status: criteria provided, single submitter. Criteria: Invitae Variant Classification Sherloc (09022015). Collection method: clinical testing. Allele origin: germline.
Comment: This variant, c.1927_1929del, results in the deletion of 1 amino acid(s) of the RET protein (p.Leu643del), but otherwise preserves the integrity of the reading frame. This variant is not present in population databases (gnomAD no frequency). This variant has not been reported in the literature in individuals affected with RET-related conditions. ClinVar contains an entry for this variant (Variation ID: 2121795). Experimental studies and prediction algorithms are not available or were not evaluated, and the functional significance of this variant is currently unknown. In summary, the available evidence is currently insufficient to determine the role of this variant in disease. Therefore, it has been classified as a Variant of Uncertain Significance.

NM_020975.6(RET):c.1927_1929del (p.Leu643del)

Gene: RET (ret proto-oncogene; plus strand). Cytogenetic location: 10q11.21.
Variant type: Deletion.
Coding change: c.1927_1929del on transcript NM_020975.6 (MANE Select); coding-DNA positions 1927 to 1929, 3 bases deleted (CTC; older notation c.1927_1929delCTC).
Protein change: p.Leu643del; deletes leucine 643.
Molecular consequence: inframe deletion. On other transcripts: inframe indel (38).
Genome position (GRCh38, 1-based): chr10:43,114,527-43,114,529, CTC deleted; deleting any 3 consecutive bases within chr10:43,114,525-43,114,529 gives the same sequence; the c. name uses the placement nearest the transcript's 3' end. VCF-style (leftmost placement, unchanged base first): chr10-43114524-GTCC-G. GRCh37 (hg19) VCF-style: chr10-43609972-GTCC-G.
Other names: c.1927_1929delCTC, p.Leu643del (NM_000323.2, NM_001406743.1, NM_001406744.1 and 4 more transcripts); c.1165_1167delCTC, p.Leu389del (NM_001355216.2); c.1798_1800delCTC, p.Leu600del (NM_001406761.1, NM_001406762.1, NM_001406764.1); c.1639_1641delCTC, p.Leu547del (NM_001406766.1, NM_001406767.1, NM_001406770.1); c.1531_1533delCTC, p.Leu511del (NM_001406769.1, NM_001406772.1); c.1030_1032delCTC, p.Leu344del (NM_001406781.1, NM_001406782.1, NM_001406779.1 and 1 more transcripts); c.901_903delCTC, p.Leu301del (NM_001406783.1, NM_001406786.1); c.937_939delCTC, p.Leu313del (NM_001406784.1); and 7 more; short protein forms L208del, L389del, L600del, L160del, L468del, L248del, L301del, L304del.
Identifiers: ClinVar variation 2121795 (VCV002121795.5), dbSNP rs2538495096, ClinGen allele CA2580081470.